The following is an entry in ClinVar:

NM_032578.4(MYPN):c.2321C>A (p.Ser774Tyr)

Gene: MYPN (myopalladin; plus strand). Cytogenetic location: 10q21.3.
Variant type: single nucleotide variant.
Coding change: c.2321C>A on transcript NM_032578.4 (MANE Select); coding-DNA position 2321, C replaced by A.
Protein change: p.Ser774Tyr; replaces serine 774 with tyrosine.
Molecular consequence: missense variant. On other transcripts: non-coding transcript variant (2).
Genome position (GRCh38, 1-based): chr10:68,174,413, C>A. VCF-style: chr10-68174413-C-A. GRCh37 (hg19) VCF-style: chr10-69934170-C-A.
Other names: p.Ser774Tyr; c.2321C>A, p.Ser774Tyr (NM_001256267.2); c.1439C>A, p.Ser480Tyr (NM_001256268.2); short protein forms S774Y, S480Y.
Identifiers: ClinVar variation 849578 (VCV000849578.14), dbSNP rs140933016, ClinGen allele CA5522771.

ClinVar aggregate classification (germline): Uncertain significance. Review status: criteria provided, multiple submitters, no conflicts (2 of 4 stars). 7 submissions from 7 submitters: Uncertain significance (7). Last evaluated 2026-07-18.

Conditions:
MYPN-related disorder. Also called: MYPN-related condition.
Cardiovascular phenotype. Identifiers: MedGen CN230736.
MYPN-related myopathy (CMYO24). Also called: Nemaline myopathy 11, autosomal recessive. Identifiers: MedGen C4479186, MONDO:0015023, OMIM 617336.
Dilated cardiomyopathy 1KK (CMD1KK). Identifiers: Orphanet 154, Orphanet 75249, MedGen C3714995, MONDO:0014100, OMIM 615248.

Allele frequency attached by ClinVar (database versions not stated): gnomAD 0.00022 and 0.00024; TOPMed 0.00040; ESP Exome Variant Server 0.00054.
gnomAD v4.1: 93 of 1,614,034 alleles (0.0058%); highest among the groups gnomAD compares: African/African-American, 0.088%; no homozygotes.

Submissions (7):

PreventionGenetics, part of Exact Sciences
Classification: Uncertain significance for MYPN-related condition. Last evaluated: 2026-07-18. Review status: criteria provided, single submitter. Criteria: ACMG Guidelines, 2015. Collection method: clinical testing. Allele origin: germline.
Comment: The MYPN c.2321C>A variant is predicted to result in the amino acid substitution p.Ser774Tyr. This variant has been reported in an individual with peripartum cardiomyopathy who had a family history of peripartum cardiomyopathy and dilated cardiomyopathy (Family SA1 in Table S1 and Table S2, van Spaendonck-Zwarts et al. 2014. PubMed ID: 24558114). This variant is reported in 0.056% of alleles in individuals of African descent in gnomAD. Although we suspect that this variant may be benign, at this time, the clinical significance of this variant is uncertain due to the absence of conclusive functional and genetic evidence.

Mayo Clinic Laboratories, Mayo Clinic
Classification: Uncertain significance. Last evaluated: 2025-05-04. Review status: criteria provided, single submitter. Criteria: ACMG Guidelines, 2015. Collection method: clinical testing. Allele origin: germline. Observed: 1 variant allele.
Comment: BP4_moderate

Ambry Genetics
Classification: Uncertain significance for Cardiovascular phenotype. Last evaluated: 2024-06-24. Review status: criteria provided, single submitter. Criteria: Ambry Variant Classification Scheme 2023. Collection method: clinical testing. Allele origin: germline.
Comment: The p.S774Y variant (also known as c.2321C>A), located in coding exon 10 of the MYPN gene, results from a C to A substitution at nucleotide position 2321. The serine at codon 774 is replaced by tyrosine, an amino acid with dissimilar properties. This variant has been detected in conjunction with variants in other cardiac-related genes in an individual with peripartum cardiomyopathy (van Spaendonck-Zwarts KY et al. Eur. Heart J., 2014 Aug;35:2165-73). This amino acid position is not well conserved in available vertebrate species. In addition, this alteration is predicted to be tolerated by in silico analysis. Since supporting evidence is limited at this time, the clinical significance of this alteration remains unclear.

Labcorp Genetics (formerly Invitae), Labcorp
Classification: Uncertain significance for Dilated cardiomyopathy 1KK. Last evaluated: 2023-12-06. Review status: criteria provided, single submitter. Criteria: Invitae Variant Classification Sherloc (09022015). Collection method: clinical testing. Allele origin: germline.
Comment: This sequence change replaces serine, which is neutral and polar, with tyrosine, which is neutral and polar, at codon 774 of the MYPN protein (p.Ser774Tyr). This variant is present in population databases (rs140933016, gnomAD 0.05%). This missense change has been observed in individual(s) with peripartum cardiomyopathy (PMID: 24558114). ClinVar contains an entry for this variant (Variation ID: 849578). An algorithm developed to predict the effect of missense changes on protein structure and function (PolyPhen-2) suggests that this variant¬†is likely to be tolerated. In summary, the available evidence is currently insufficient to determine the role of this variant in disease. Therefore, it has been classified as a Variant of Uncertain Significance.

GeneDx
Classification: Uncertain significance. Last evaluated: 2023-08-22. Review status: criteria provided, single submitter. Criteria: GeneDx Variant Classification Process June 2021. Collection method: clinical testing. Allele origin: germline. Affected: yes.
Comment: In silico analysis supports that this missense variant does not alter protein structure/function; Identified in a family with cardiomyopathy in conjunction with other cardiogenetic variants (van Spaendonck-Zwarts et al., 2014); This variant is associated with the following publications: (PMID: 24558114)

Fulgent Genetics
Classification: Uncertain significance for Dilated cardiomyopathy 1KK; MYPN-related myopathy. Last evaluated: 2021-10-25. Review status: criteria provided, single submitter. Criteria: ACMG Guidelines, 2015. Collection method: clinical testing. Allele origin: unknown.

Breakthrough Genomics
Classification: Uncertain significance. Review status: criteria provided, single submitter. Criteria: ACMG Guidelines, 2015. Collection method: not provided. Allele origin: germline. Inheritance: Autosomal recessive inheritance. Affected: yes.

Literature cited by the submitters: PubMed 24558114 (cited by 3 submitters).